The following is an entry in ClinVar:

NM_001854.4(COL11A1):c.2645G>A (p.Arg882His)

Gene: COL11A1 (collagen type XI alpha 1 chain; minus strand). Cytogenetic location: 1p21.1.
Variant type: single nucleotide variant.
Coding change: c.2645G>A on transcript NM_001854.4 (MANE Select); coding-DNA position 2645, G replaced by A.
Protein change: p.Arg882His; replaces arginine 882 with histidine.
Molecular consequence: missense variant. On other transcripts: non-coding transcript variant (1).
Genome position (GRCh38, 1-based): chr1:102,979,070, C>T on the plus strand (G>A on the coding strand, the complement: COL11A1 is on the minus strand). VCF-style: chr1-102979070-C-T. GRCh37 (hg19) VCF-style: chr1-103444626-C-T.
Other names: c.2528G>A, p.Arg843His (NM_001190709.2); c.2681G>A, p.Arg894His (NM_080629.3); c.2297G>A, p.Arg766His (NM_080630.4); short protein forms R766H, R843H, R882H, R894H.
Identifiers: ClinVar variation 1307051 (VCV001307051.9), dbSNP rs779869745, ClinGen allele CA974347.

ClinVar aggregate classification (germline): Conflicting classifications of pathogenicity. Review status: criteria provided, conflicting classifications (1 of 4 stars). 2 submissions from 2 submitters: Uncertain significance (1); Likely benign (1). Last evaluated 2025-12-16.

Allele frequency attached by ClinVar (database versions not stated): ExAC 0.00001; gnomAD exomes 0.00001.
gnomAD v4.1: 11 of 1,614,134 alleles (0.00068%); highest among the groups gnomAD compares: East Asian, 0.0022%; no homozygotes.

Submissions (2):

Labcorp Genetics (formerly Invitae), Labcorp
Classification: Likely benign. Last evaluated: 2025-12-16. Review status: criteria provided, single submitter. Criteria: Invitae Variant Classification Sherloc (09022015). Collection method: clinical testing. Allele origin: germline.

GeneDx
Classification: Uncertain significance. Last evaluated: 2025-06-24. Review status: criteria provided, single submitter. Criteria: GeneDx Variant Classification Process June 2021. Collection method: clinical testing. Allele origin: germline. Affected: yes.
Comment: Not observed at significant frequency in large population cohorts (gnomAD); In silico analysis supports that this missense variant has a deleterious effect on protein structure/function; Has not been previously published as pathogenic or benign to our knowledge; This variant is associated with the following publications: (PMID: 31685998)